The following continues an entry in ClinVar:

NM_022437.3(ABCG8):c.1083G>A (p.Trp361Ter)

Gene: ABCG8. ClinVar aggregate classification (germline): Pathogenic/Likely pathogenic. Pathogenic (15); Likely pathogenic (2).

Submissions 16 to 22 of 22:

Illumina Laboratory Services, Illumina
Classification: Pathogenic for Sitosterolemia 1. Last evaluated: 2018-11-12. Review status: criteria provided, single submitter. Criteria: ICSL Variant Classification Criteria 09 May 2019. Collection method: clinical testing. Allele origin: germline.
Comment: The ABCG8 c.1083G>A (p.Trp361Ter) variant is a stop-gained variant that is predicted to result in a premature termination of the protein. Across a selection of the available literature, the p.Trp361Ter variant was reported in a total 20 individuals with sitosterolemia, including seven homozygotes, 11 compound heterozygotes, and two heterozygotes in whom a second variant was not identified, and in two unaffected heterozygous family members of affected individuals (Berge et al. 2000; Lu et al. 2001; Heimerl et al. 2002; Rees et al. 2005; Hansel et al. 2014). The p.Trp361Ter variant was absent from 296 control subjects and is reported at a frequency of 0.002598 in the European (Finnish) population of the Genome Aggregation Database. Due to the potential impact of stop-gained variants, the p.Trp361Ter variant is classified as pathogenic for sitosterolemia. This variant was observed by ICSL as part of a predisposition screen in an ostensibly healthy population.

Eurofins Ntd Llc (ga)
Classification: Pathogenic. Last evaluated: 2018-09-13. Review status: criteria provided, single submitter. Criteria: EGL ClinVar v180209 classification definitions. Collection method: clinical testing. Allele origin: germline. Observed: 9 variant alleles, 9 heterozygotes.

PreventionGenetics, part of Exact Sciences
Classification: Pathogenic for ABCG8-related condition. Last evaluated: 2024-08-01. Review status: no assertion criteria provided. Collection method: clinical testing. Allele origin: germline. Not counted in ClinVar's aggregate classification.
Comment: The ABCG8 c.1083G>A variant is predicted to result in premature protein termination (p.Trp361*). This variant is well documented in the literature as one of the most common causative variants of autosomal recessive sitosterolemia (Berge et al. 2000. PubMed ID: 11099417; Heimerl et al. 2002. PubMed ID: 12124998; Lu et al. 2001. PubMed ID: 11452359; Rees et al. 2005. PubMed ID: 16029460). This variant is reported in 0.25% of alleles in individuals of European (Finnish) descent in gnomAD. Nonsense variants in ABCG8 are expected to be pathogenic. This variant is interpreted as pathogenic.

Cardiovascular Genetics Laboratory, PathWest Laboratory Medicine WA - Fiona Stanley Hospital
Classification: Pathogenic for Sitosterolemia 1. Last evaluated: 2022-09-21. Review status: no assertion criteria provided. Criteria: ACMG Guidelines, 2015. Collection method: clinical testing. Allele origin: germline. Affected: no. Not counted in ClinVar's aggregate classification.

OMIM
Classification: Pathogenic for SITOSTEROLEMIA 1. Last evaluated: 2005-07-01. Review status: no assertion criteria provided. Collection method: literature only. Allele origin: germline. Not counted in ClinVar's aggregate classification.

Clinical Genetics, Academic Medical Center
Classification: Pathogenic. Review status: no assertion criteria provided. Collection method: clinical testing. Allele origin: germline. Affected: yes. Study: VKGL Data-share Consensus. Not counted in ClinVar's aggregate classification.

Laboratory of Diagnostic Genome Analysis, Leiden University Medical Center (LUMC)
Classification: Pathogenic. Review status: no assertion criteria provided. Collection method: clinical testing. Allele origin: germline. Affected: yes. Study: VKGL Data-share Consensus. Not counted in ClinVar's aggregate classification.

Literature cited by the submitters: PubMed 11099417 (cited by 7 submitters); PubMed 11452359 (cited by 7 submitters); PubMed 12124998 (cited by 5 submitters); PubMed 16029460 (cited by 6 submitters); PubMed 24657386 (cited by 5 submitters); PubMed 28521186 (cited by 4 submitters); PubMed 15375183 (cited by Labcorp Genetics (formerly Invitae), Labcorp); PubMed 37888103 (cited by Mayo Clinic Laboratories, Mayo Clinic); PubMed 4360855 (cited by OMIM).